The following is an entry in ClinVar:

NM_013254.4(TBK1):c.1189+1G>T

Gene: TBK1 (TANK binding kinase 1; plus strand). Cytogenetic location: 12q14.2.
Variant type: single nucleotide variant.
Coding change: c.1189+1G>T on transcript NM_013254.4 (MANE Select); the canonical splice donor site of the intron after coding-DNA position 1189, G replaced by T.
Molecular consequence: splice donor variant.
Genome position (GRCh38, 1-based): chr12:64,484,500, G>T. VCF-style: chr12-64484500-G-T. GRCh37 (hg19) VCF-style: chr12-64878280-G-T.
Identifiers: ClinVar variation 1523805 (VCV001523805.6), dbSNP rs2136078402, ClinGen allele CA385600519.

ClinVar aggregate classification (germline): Pathogenic (1 of 4 stars; one submission).

Conditions:
Frontotemporal dementia and/or amyotrophic lateral sclerosis 4. Also called: FTDALS4. Identifiers: Orphanet 275872, MedGen C4225325, MONDO:0014641, OMIM 616439.

Submission:

Labcorp Genetics (formerly Invitae), Labcorp
Classification: Pathogenic for Frontotemporal dementia and/or amyotrophic lateral sclerosis 4. Last evaluated: 2025-09-02. Review status: criteria provided, single submitter. Criteria: Invitae Variant Classification Sherloc (09022015). Collection method: clinical testing. Allele origin: germline.
Comment: This sequence change affects a donor splice site in intron 9 of the TBK1 gene. It is expected to disrupt RNA splicing. Variants that disrupt the donor or acceptor splice site typically lead to a loss of protein function (PMID: 16199547), and loss-of-function variants in TBK1 are known to be pathogenic (PMID: 25803835, 26476236, 26581300). This variant is not present in population databases (gnomAD no frequency). Disruption of this splice site has been observed in individuals with amyotrophic lateral sclerosis (PMID: 35118923; internal data). ClinVar contains an entry for this variant (Variation ID: 1523805). Algorithms developed to predict the effect of sequence changes on RNA splicing suggest that this variant may disrupt the consensus splice site. For these reasons, this variant has been classified as Pathogenic.

Literature cited by the submitters: PubMed 16199547; PubMed 25803835; PubMed 26476236; PubMed 26581300; PubMed 35118923.